The following is an entry in ClinVar:

ClinVar aggregate classification (germline): Benign. Review status: criteria provided, multiple submitters, no conflicts (2 of 4 stars). 4 submissions from 4 submitters: Benign (3). 1 of the submissions does not count toward it. Last evaluated 2026-02-01.

Conditions:
LRRC8A-related disorder. Also called: LRRC8A-related condition.
Agammaglobulinemia 5, autosomal dominant (AGM5). Also called: AGAMMAGLOBULINEMIA, AUTOSOMAL DOMINANT, DUE TO LRRC8A DEFECT. Identifiers: MedGen C3150753, MONDO:0013290, OMIM 613506.

Allele frequency attached by ClinVar (database versions not stated): gnomAD exomes 0.00168 and 0.00395; ExAC 0.00460; 1000 Genomes Project 0.01158; 1000 Genomes Project 30x 0.01171; gnomAD 0.01268 and 0.01361; ESP Exome Variant Server 0.01438; TOPMed 0.01490.
gnomAD v4.1: 4,488 of 1,614,152 alleles (0.28%); highest among the groups gnomAD compares: African/African-American, 4.2%; 59 homozygotes.

Submissions (4):

Labcorp Genetics (formerly Invitae), Labcorp
Classification: Benign. Last evaluated: 2026-02-01. Review status: criteria provided, single submitter. Criteria: Invitae Variant Classification Sherloc (09022015). Collection method: clinical testing. Allele origin: germline.

ARUP Laboratories, Molecular Genetics and Genomics, ARUP Laboratories
Classification: Benign for Agammaglobulinemia 5, autosomal dominant. Last evaluated: 2023-10-14. Review status: criteria provided, single submitter. Criteria: ARUP Molecular Germline Variant Investigation Process 2024. Collection method: clinical testing. Allele origin: germline.

Breakthrough Genomics
Classification: Benign. Review status: criteria provided, single submitter. Criteria: ACMG Guidelines, 2015. Collection method: not provided. Allele origin: germline. Inheritance: Autosomal dominant inheritance. Affected: yes.

PreventionGenetics, part of Exact Sciences
Classification: Benign for LRRC8A-related condition. Last evaluated: 2019-08-28. Review status: no assertion criteria provided. Collection method: clinical testing. Allele origin: germline. Not counted in ClinVar's aggregate classification.
Comment: This variant is classified as benign based on ACMG/AMP sequence variant interpretation guidelines (Richards et al. 2015 PMID: 25741868, with internal and published modifications).

NM_019594.4(LRRC8A):c.1803T>C (p.Cys601=)

Gene: LRRC8A (leucine rich repeat containing 8 VRAC subunit A; plus strand). Cytogenetic location: 9q34.11.
Variant type: single nucleotide variant.
Coding change: c.1803T>C on transcript NM_019594.4 (MANE Select); coding-DNA position 1803, T replaced by C.
Protein change: p.Cys601=; no amino-acid change (cysteine 601 retained).
Molecular consequence: synonymous variant.
Genome position (GRCh38, 1-based): chr9:128,908,967, T>C. VCF-style: chr9-128908967-T-C. GRCh37 (hg19) VCF-style: chr9-131671246-T-C.
Other names: c.1803T>C, p.Cys601= (NM_001127244.2, NM_001127245.2).
Identifiers: ClinVar variation 776452 (VCV000776452.25), dbSNP rs16930757, ClinGen allele CA5270951.
Genomic context (GRCh38, chr9:128,908,967, plus strand): 5'-CATCGTCCTCAACAGCCTCAAGAAGATGGCGAACCTGACTGAGCTGGAGCTGATCCGCTG[T>C]GACCTGGAGCGCATCCCCCACTCCATCTTCAGCCTCCACAACCTGCAGGAGATTGACCTC-3'
Protein context (NP_062540.2, residues 591-611): ANLTELELIR[Cys601=]DLERIPHSIF